The following is an entry in ClinVar:

NC_012920.1(MT-RNR1):m.1442G>A

Genes: MT-RNR1 (mitochondrially encoded 12S RNA; plus strand), RNR1 (RNA, ribosomal 45S cluster 1).
Variant type: single nucleotide variant.
Genome position: chrM-1442-G-A.
Identifiers: ClinVar variation 42221 (VCV000042221.6), dbSNP rs28358573, ClinGen allele CA131007.

ClinVar aggregate classification (germline): Benign/Likely benign. Review status: criteria provided, multiple submitters, no conflicts (2 of 4 stars). 3 submissions from 3 submitters: Benign (2); Likely benign (1). Last evaluated 2022-05-04.

Submissions (3):

Mendelics
Classification: Benign. Last evaluated: 2022-05-04. Review status: criteria provided, single submitter. Criteria: Mendelics Assertion Criteria 2019. Collection method: clinical testing. Allele origin: germline.

Athena Diagnostics
Classification: Benign. Last evaluated: 2018-11-19. Review status: criteria provided, single submitter. Criteria: Athena Diagnostics Criteria. Collection method: clinical testing. Allele origin: germline.

Laboratory for Molecular Medicine, Mass General Brigham Personalized Medicine
Classification: Likely benign. Last evaluated: 2013-04-16. Review status: criteria provided, single submitter. Criteria: LMM Criteria. Collection method: clinical testing. Allele origin: germline. Observed: 12 variant alleles.
Comment: m.1442G>A in MTRNR1: This variant has been reported in 8% (10/120) of chromosom es from an African population sequenced by the 1000 Genome Project (dbSNP rs2835 8573). It has also been reported in broad populations at 1-4% frequency (LOVD da tabase; mtDB; HmtDB. hmtdb.uniba.it:8080/hmdb) and belongs to the R7a'b haplotype group. It has been identified in 3/ 1806 patients with hearing loss (0.2%) as well as in 4/675 controls (0.5%) (Li 2 004, Lu 2010). In summary, in the absence of any statistically significant assoc iation to hearing loss, the frequency of this variant suggests that it is likel y benign.

Literature cited by the submitters: PubMed 15286157 (cited by Laboratory for Molecular Medicine, Mass General Brigham Personalized Medicine); PubMed 20100600 (cited by Laboratory for Molecular Medicine, Mass General Brigham Personalized Medicine).